The following is an entry in ClinVar:

ClinVar aggregate classification (germline): Conflicting classifications of pathogenicity. Review status: criteria provided, conflicting classifications (1 of 4 stars). 2 submissions from 2 submitters: Uncertain significance (1); Likely benign (1). Last evaluated 2025-02-01.

Conditions:
Epilepsy, familial focal, with variable foci 3 (FFEVF3). Identifiers: MedGen C4310708, MONDO:0014925, OMIM 617118.

Allele frequency attached by ClinVar (database versions not stated): TOPMed 0.00005.

Submissions (2):

CeGaT Center for Human Genetics Tuebingen
Classification: Likely benign. Last evaluated: 2025-02-01. Review status: criteria provided, single submitter. Criteria: CeGaT Center For Human Genetics Tuebingen Variant Classification Criteria Version 2. Collection method: clinical testing. Allele origin: germline. Affected: yes. Observed: 1 variant allele.
Comment: NPRL3: BP4

Labcorp Genetics (formerly Invitae), Labcorp
Classification: Uncertain significance for Epilepsy, familial focal, with variable foci 3. Last evaluated: 2024-01-04. Review status: criteria provided, single submitter. Criteria: Invitae Variant Classification Sherloc (09022015). Collection method: clinical testing. Allele origin: germline.
Comment: This sequence change replaces arginine, which is basic and polar, with histidine, which is basic and polar, at codon 43 of the NPRL3 protein (p.Arg43His). The frequency data for this variant in the population databases is considered unreliable, as metrics indicate poor data quality at this position in the gnomAD database. This variant has not been reported in the literature in individuals affected with NPRL3-related conditions. ClinVar contains an entry for this variant (Variation ID: 840665). Advanced modeling of protein sequence and biophysical properties (such as structural, functional, and spatial information, amino acid conservation, physicochemical variation, residue mobility, and thermodynamic stability) performed at Invitae indicates that this missense variant is not expected to disrupt NPRL3 protein function with a negative predictive value of 80%. In summary, the available evidence is currently insufficient to determine the role of this variant in disease. Therefore, it has been classified as a Variant of Uncertain Significance.

NM_001077350.3(NPRL3):c.128G>A (p.Arg43His)

Genes: HBA-LCR (alpha-globin locus control region; plus strand), NPRL3 (NPR3 like, GATOR1 complex subunit; minus strand). Cytogenetic location: 16p13.3.
Variant type: single nucleotide variant.
Coding change: c.128G>A on transcript NM_001077350.3 (MANE Select); coding-DNA position 128, G replaced by A.
Protein change: p.Arg43His; replaces arginine 43 with histidine.
Molecular consequence: missense variant. On other transcripts: 5 prime UTR variant (2).
Genome position (GRCh38, 1-based): chr16:130,582, C>T on the plus strand (G>A on the coding strand, the complement: NPRL3 is on the minus strand). VCF-style: chr16-130582-C-T. GRCh37 (hg19) VCF-style: chr16-180581-C-T.
Other names: c.-205G>A (NM_001039476.3); c.-244G>A (NM_001243247.2); c.128G>A, p.Arg43His (NM_001243248.2, NM_001243249.2); short protein forms R43H.
Identifiers: ClinVar variation 840665 (VCV000840665.20), dbSNP rs376476299, ClinGen allele CA276422811.